The following is an entry in ClinVar:

ClinVar aggregate classification (germline): Uncertain significance. Review status: criteria provided, multiple submitters, no conflicts (2 of 4 stars). 7 submissions from 7 submitters: Uncertain significance (6). 1 of the submissions does not count toward it. Last evaluated 2026-05-11.

Conditions:
CEP290-related disorder. Also called: CEP290-related disorders; CEP290-related condition. Identifiers: MedGen CN239314.
Senior-Loken syndrome 6 (SLSN6). Identifiers: Orphanet 3156, MedGen C1857779, MONDO:0012433, OMIM 610189.
Meckel syndrome, type 4 (MKS4). Also called: MECKEL-GRUBER SYNDROME, TYPE 4. Identifiers: Orphanet 564, MedGen C1970161, MONDO:0012626, OMIM 611134.
Joubert syndrome 5 (JBTS5). Identifiers: Orphanet 2318, MedGen C1857780, MONDO:0012432, OMIM 610188.
Leber congenital amaurosis 10 (LCA10). Identifiers: Orphanet 65, MedGen C1857821, MONDO:0012723, OMIM 611755.
Leber congenital amaurosis (LCA). Also called: Leber's amaurosis. Identifiers: Orphanet 65, MedGen C0339527, MeSH D057130, MONDO:0018998.
Inborn genetic diseases. Identifiers: MedGen C0950123, MeSH D030342.
Joubert syndrome. Also called: Familial aplasia of the vermis; JOUBERT-BOLTSHAUSER SYNDROME. Identifiers: Orphanet 475, MedGen C5979921, MONDO:0018772.
Nephronophthisis. Also called: Juvenile Nephronophthisis. Identifiers: Orphanet 655, MedGen C0687120, MONDO:0019005, HP:0000090.
Meckel-Gruber syndrome. Also called: DYSENCEPHALIA SPLANCHNOCYSTICA; GRUBER SYNDROME; Dysencephalia splachnocystica. Identifiers: Orphanet 564, MedGen C0265215, MONDO:0018921.
Bardet-Biedl syndrome 14 (BBS14). Identifiers: Orphanet 110, MedGen C2673874, MONDO:0014442, OMIM 615991.

Allele frequency attached by ClinVar (database versions not stated): gnomAD exomes 0.00001 and 0.00002; gnomAD 0.00009 and 0.00010; TOPMed 0.00022.
gnomAD v4.1: 23 of 1,613,874 alleles (0.0014%); highest among the groups gnomAD compares: Admixed American, 0.035%; no homozygotes.

Submissions (7):

PreventionGenetics, part of Exact Sciences
Classification: Uncertain significance for CEP290-related condition. Last evaluated: 2026-05-11. Review status: criteria provided, single submitter. Criteria: ACMG Guidelines, 2015. Collection method: clinical testing. Allele origin: germline.
Comment: The CEP290 c.3773A>G variant is predicted to result in the amino acid substitution p.Asn1258Ser. To our knowledge, this variant has not been reported in the literature. This variant is reported in 0.0085% of alleles in individuals of Latino descent in gnomAD. At this time, the clinical significance of this variant is uncertain due to the absence of conclusive functional and genetic evidence.

Ambry Genetics
Classification: Uncertain significance for Inborn genetic diseases. Last evaluated: 2023-12-09. Review status: criteria provided, single submitter. Criteria: Ambry Variant Classification Scheme 2023. Collection method: clinical testing. Allele origin: germline.

Labcorp Genetics (formerly Invitae), Labcorp
Classification: Uncertain significance for Joubert syndrome; Meckel-Gruber syndrome; Nephronophthisis. Last evaluated: 2022-10-17. Review status: criteria provided, single submitter. Criteria: Invitae Variant Classification Sherloc (09022015). Collection method: clinical testing. Allele origin: germline.
Comment: This sequence change replaces asparagine, which is neutral and polar, with serine, which is neutral and polar, at codon 1258 of the CEP290 protein (p.Asn1258Ser). This variant is present in population databases (rs200830750, gnomAD 0.009%). This variant has not been reported in the literature in individuals affected with CEP290-related conditions. ClinVar contains an entry for this variant (Variation ID: 834384). Advanced modeling of protein sequence and biophysical properties (such as structural, functional, and spatial information, amino acid conservation, physicochemical variation, residue mobility, and thermodynamic stability) performed at Invitae indicates that this missense variant is not expected to disrupt CEP290 protein function. In summary, the available evidence is currently insufficient to determine the role of this variant in disease. Therefore, it has been classified as a Variant of Uncertain Significance.

New York Genome Center
Classification: Uncertain significance for Leber congenital amaurosis 10; Senior-Loken syndrome 6; Meckel syndrome, type 4; Joubert syndrome 5. Last evaluated: 2022-01-28. Review status: criteria provided, single submitter. Criteria: NYGC Assertion Criteria 2020. Collection method: clinical testing. Allele origin: germline. Observed: 1 heterozygote.

Blueprint Genetics
Classification: Uncertain significance. Last evaluated: 2021-11-04. Review status: criteria provided, single submitter. Criteria: ACMG Guidelines, 2015. Collection method: clinical testing. Allele origin: germline.

Fulgent Genetics
Classification: Uncertain significance for Joubert syndrome 5; Senior-Loken syndrome 6; Meckel syndrome, type 4; Leber congenital amaurosis 10; Bardet-Biedl syndrome 14. Last evaluated: 2021-10-27. Review status: criteria provided, single submitter. Criteria: ACMG Guidelines, 2015. Collection method: clinical testing. Allele origin: unknown.

Natera, Inc.
Classification: Uncertain significance for Leber congenital amaurosis. Last evaluated: 2020-02-26. Review status: no assertion criteria provided. Collection method: clinical testing. Allele origin: germline. Not counted in ClinVar's aggregate classification.

NM_025114.4(CEP290):c.3773A>G (p.Asn1258Ser)

Gene: CEP290 (centrosomal protein 290; minus strand). Cytogenetic location: 12q21.32.
Variant type: single nucleotide variant.
Coding change: c.3773A>G on transcript NM_025114.4 (MANE Select); coding-DNA position 3773, A replaced by G.
Protein change: p.Asn1258Ser; replaces asparagine 1258 with serine.
Molecular consequence: missense variant.
Genome position (GRCh38, 1-based): chr12:88,089,288, T>C on the plus strand (A>G on the coding strand, the complement: CEP290 is on the minus strand). VCF-style: chr12-88089288-T-C. GRCh37 (hg19) VCF-style: chr12-88483065-T-C.
Other names: short protein forms N1258S.
Identifiers: ClinVar variation 834384 (VCV000834384.11), dbSNP rs200830750, ClinGen allele CA241164518.